The following is an entry in ClinVar:

NM_001009944.3(PKD1):c.6602C>T (p.Pro2201Leu)

Gene: PKD1 (polycystin 1, transient receptor potential channel interacting; minus strand). Cytogenetic location: 16p13.3.
Variant type: single nucleotide variant.
Coding change: c.6602C>T on transcript NM_001009944.3 (MANE Select); coding-DNA position 6602, C replaced by T.
Protein change: p.Pro2201Leu; replaces proline 2201 with leucine.
Molecular consequence: missense variant.
Genome position (GRCh38, 1-based): chr16:2,108,565, G>A on the plus strand (C>T on the coding strand, the complement: PKD1 is on the minus strand). VCF-style: chr16-2108565-G-A. GRCh37 (hg19) VCF-style: chr16-2158566-G-A.
Other names: c.6602C>T, p.Pro2201Leu (NM_000296.4); short protein forms P2201L.
Identifiers: ClinVar variation 1810072 (VCV001810072.1), dbSNP rs564434419, ClinGen allele CA7831545.

ClinVar aggregate classification (germline): Uncertain significance (1 of 4 stars; one submission).

Allele frequency attached by ClinVar (database versions not stated): gnomAD 0.00001; 1000 Genomes Project 0.00020; 1000 Genomes Project 30x 0.00031.
gnomAD v4.1: 5 of 1,576,678 alleles (0.00032%); highest among the groups gnomAD compares: Admixed American, 0.0036%; no homozygotes.

Submission:

GeneDx
Classification: Uncertain significance. Last evaluated: 2022-06-30. Review status: criteria provided, single submitter. Criteria: GeneDx Variant Classification Process June 2021. Collection method: clinical testing. Allele origin: germline. Affected: yes.
Comment: In silico analysis supports that this missense variant does not alter protein structure/function; Has not been previously published as pathogenic or benign to our knowledge